The following is an entry in ClinVar:

ClinVar aggregate classification (germline): Likely pathogenic (1 of 4 stars; one submission).

Conditions:
Neurofibromatosis, type 1 (NF1). Also called: VON RECKLINGHAUSEN DISEASE; NEUROFIBROMATOSIS, TYPE I, SOMATIC; Peripheral type neurofibromatosis; Neurofibromatosis, type I. Identifiers: Orphanet 636, MedGen C0027831, MONDO:0018975, OMIM 162200. Disease mechanism: loss of function.

Submission:

MVZ Martinsried, Medicover Genetics
Classification: Likely pathogenic for Neurofibromatosis, type 1. Last evaluated: 2026-06-19. Review status: criteria provided, single submitter. Criteria: ClinGen Variant Curation SOP V3.2 + Classification Guidance July2025. Collection method: clinical testing. Allele origin: unknown. Affected: yes. Observed: 1 heterozygote.
Comment: PM5, PP3_Moderate, PM1, PM2_Supporting

NM_001042492.3(NF1):c.4607T>G (p.Phe1536Cys)

Gene: NF1 (neurofibromin 1; plus strand). Cytogenetic location: 17q11.2.
Variant type: single nucleotide variant.
Coding change: c.4607T>G on transcript NM_001042492.3 (MANE Select); coding-DNA position 4607, T replaced by G.
Protein change: p.Phe1536Cys; replaces phenylalanine 1536 with cysteine.
Molecular consequence: missense variant.
Genome position (GRCh38, 1-based): chr17:31,261,740, T>G. VCF-style: chr17-31261740-T-G. GRCh37 (hg19) VCF-style: chr17-29588758-T-G.
Other names: c.4544T>G, p.Phe1515Cys (NM_000267.4); short protein forms F1515C, F1536C.
Identifiers: ClinVar variation 5043470 (VCV005043470.1).
Genomic context (GRCh38, chr17:31,261,740, plus strand): 5'-ATTTTTTTTCTAAGTAGTTTGCTGTATCTAGGGATCATAAAGCTGTTGGAAGACGACCTT[T>G]TGATAAGATGGCAACACTTCTTGCATACCTGGGTCCTCCAGAGCACAAACCTGTGGCAGA-3'
Protein context (NP_001035957.1, residues 1526-1546): RDHKAVGRRP[Phe1536Cys]DKMATLLAYL